The following is an entry in ClinVar:

NM_000132.4(F8):c.102C>T (p.Asp34=)

Gene: F8 (coagulation factor VIII; minus strand). Cytogenetic location: Xq28.
Variant type: single nucleotide variant.
Coding change: c.102C>T on transcript NM_000132.4 (MANE Select); coding-DNA position 102, C replaced by T.
Protein change: p.Asp34=; no amino-acid change (aspartic acid 34 retained).
Molecular consequence: synonymous variant.
Genome position (GRCh38, 1-based): chrX:155,022,451, G>A on the plus strand (C>T on the coding strand, the complement: F8 is on the minus strand). VCF-style: chrX-155022451-G-A. GRCh37 (hg19) VCF-style: chrX-154250726-G-A.
Identifiers: ClinVar variation 618109 (VCV000618109.59), dbSNP rs1800283, ClinGen allele CA10568646.

ClinVar aggregate classification (germline): Benign/Likely benign. Review status: criteria provided, multiple submitters, no conflicts (2 of 4 stars). 5 submissions from 5 submitters: Benign (2); Likely benign (3). Last evaluated 2024-09-10.

Conditions:
Hereditary factor VIII deficiency disease (HEMA). Also called: HEMOPHILIA, CLASSIC; AUTOSOMAL HEMOPHILIA A; Hemophilia A; Hemophilia A, congenital; HEM A; Factor 8 deficiency, congenital. Identifiers: Orphanet 98878, MedGen C0019069, MONDO:0010602, OMIM 306700.

Allele frequency attached by ClinVar (database versions not stated): ESP Exome Variant Server 0.00038; gnomAD 0.00067 and 0.00070; TOPMed 0.00074; gnomAD exomes 0.00090 and 0.00153; ExAC 0.00093.
gnomAD v4.1: 1,757 of 1,208,720 alleles (0.15%); highest among the groups gnomAD compares: Non-Finnish European, 0.18%; no homozygotes.

Submissions (5):

Blueprint Genetics
Classification: Likely benign. Last evaluated: 2024-09-10. Review status: criteria provided, single submitter. Criteria: ACMG Guidelines, 2015. Collection method: clinical testing. Allele origin: germline.

ARUP Laboratories, Molecular Genetics and Genomics, ARUP Laboratories
Classification: Benign. Last evaluated: 2024-06-17. Review status: criteria provided, single submitter. Criteria: ARUP Molecular Germline Variant Investigation Process 2024. Collection method: clinical testing. Allele origin: germline.

Labcorp Genetics (formerly Invitae), Labcorp
Classification: Benign. Last evaluated: 2019-12-31. Review status: criteria provided, single submitter. Criteria: Invitae Variant Classification Sherloc (09022015). Collection method: clinical testing. Allele origin: germline.

CeGaT Center for Human Genetics Tuebingen
Classification: Likely benign. Last evaluated: 2019-03-01. Review status: criteria provided, single submitter. Criteria: CeGaT Center For Human Genetics Tuebingen Variant Classification Criteria Version 2. Collection method: clinical testing. Allele origin: germline. Affected: yes. Observed: 1 variant allele.

Illumina Laboratory Services, Illumina
Classification: Likely benign for Hereditary factor VIII deficiency disease. Last evaluated: 2017-04-27. Review status: criteria provided, single submitter. Criteria: ICSL Variant Classification Criteria 13 December 2019. Collection method: clinical testing. Allele origin: germline.
Comment: This variant was observed as part of a predisposition screen in an ostensibly healthy population. A literature search was performed for the gene, cDNA change, and amino acid change (where applicable). Publications were found based on this search. The evidence from the literature, in combination with allele frequency data from public databases where available, was sufficient to determine this variant is unlikely to cause disease. Therefore, this variant is classified as likely benign.

Literature cited by the submitters: PubMed 20331761 (cited by Illumina Laboratory Services, Illumina); PubMed 19377476 (cited by Illumina Laboratory Services, Illumina); PubMed 2105906 (cited by Illumina Laboratory Services, Illumina).